The following is an entry in ClinVar:

NM_152672.6(SLC51A):c.134-12CTC[4]

Gene: SLC51A (solute carrier family 51 member A; plus strand). Cytogenetic location: 3q29.
Variant type: Microsatellite.
Coding change: c.134-12CTC[4] on transcript NM_152672.6 (MANE Select); four copies in a row of the 3-base unit CTC starting at c.134-12; the reference has three copies in a row; one copy, 3 bases duplicated.
Molecular consequence: intron variant.
Genome position (GRCh38, 1-based): chr3:196,226,959-196,226,961, CTC duplicated; duplicating any 3 consecutive bases within chr3:196,226,953-196,226,961 gives the same sequence; the position shown is the placement nearest the transcript's 3' end. VCF-style (leftmost placement, unchanged base first): chr3-196226952-T-TCTC. GRCh37 (hg19) VCF-style: chr3-195953823-T-TCTC.
Identifiers: ClinVar variation 3029115 (VCV003029115.2), dbSNP rs925691713, ClinGen allele CA90834815.

ClinVar aggregate classification (germline): Likely benign (0 of 4 stars; one submission).

Conditions:
SLC51A-related disorder. Also called: SLC51A-related condition.

Submission:

PreventionGenetics, part of Exact Sciences
Classification: Likely benign for SLC51A-related condition. Last evaluated: 2024-01-09. Review status: no assertion criteria provided. Collection method: clinical testing. Allele origin: germline.
Comment: This variant is classified as likely benign based on ACMG/AMP sequence variant interpretation guidelines (Richards et al. 2015 PMID: 25741868, with internal and published modifications).